The following is an entry in ClinVar:

ClinVar aggregate classification (germline): Conflicting classifications of pathogenicity. Review status: criteria provided, conflicting classifications (1 of 4 stars). 4 submissions from 4 submitters: Uncertain significance (1); Likely benign (1). 2 of the submissions do not count toward it. Last evaluated 2025-11-08.

Conditions:
Cohen syndrome (COH1). Also called: PEPPER SYNDROME; Cutis verticis gyrata, retinitis pigmentosa, and sensorineural deafness. Identifiers: Orphanet 193, MedGen C0265223, MONDO:0008999, OMIM 216550.
VPS13B-related disorder. Also called: VPS13B-related condition.

Allele frequency attached by ClinVar (database versions not stated): ExAC 0.00005; TOPMed 0.00010; 1000 Genomes Project 0.00020; 1000 Genomes Project 30x 0.00031.
gnomAD v4.1: 108 of 1,613,734 alleles (0.0067%); highest among the groups gnomAD compares: African/African-American, 0.0093%; no homozygotes.

Submissions (4):

Labcorp Genetics (formerly Invitae), Labcorp
Classification: Likely benign for Cohen syndrome. Last evaluated: 2025-11-08. Review status: criteria provided, single submitter. Criteria: Invitae Variant Classification Sherloc (09022015). Collection method: clinical testing. Allele origin: germline.

Illumina Laboratory Services, Illumina
Classification: Uncertain significance for Cohen syndrome. Last evaluated: 2018-01-12. Review status: criteria provided, single submitter. Criteria: ICSL Variant Classification Criteria 13 December 2019. Collection method: clinical testing. Allele origin: germline.

PreventionGenetics, part of Exact Sciences
Classification: Likely benign for VPS13B-related condition. Last evaluated: 2022-04-26. Review status: no assertion criteria provided. Collection method: clinical testing. Allele origin: germline. Not counted in ClinVar's aggregate classification.
Comment: This variant is classified as likely benign based on ACMG/AMP sequence variant interpretation guidelines (Richards et al. 2015 PMID: 25741868, with internal and published modifications).

Natera, Inc.
Classification: Likely benign for Cohen syndrome. Last evaluated: 2020-09-16. Review status: no assertion criteria provided. Collection method: clinical testing. Allele origin: germline. Not counted in ClinVar's aggregate classification.

NM_152564.5(VPS13B):c.2433A>T (p.Ile811=)

Gene: VPS13B (vacuolar protein sorting 13 homolog B; plus strand). Cytogenetic location: 8q22.2.
Variant type: single nucleotide variant.
Coding change: c.2433A>T on transcript NM_152564.5 (MANE Select); coding-DNA position 2433, A replaced by T.
Protein change: p.Ile811=; no amino-acid change (isoleucine 811 retained).
Molecular consequence: synonymous variant.
Genome position (GRCh38, 1-based): chr8:99,192,975, A>T. VCF-style: chr8-99192975-A-T. GRCh37 (hg19) VCF-style: chr8-100205203-A-T.
Other names: c.2433A>T, p.Ile811= (NM_015243.3, NM_017890.5); c.2433A>T (NM_152564.4).
Identifiers: ClinVar variation 724870 (VCV000724870.18), dbSNP rs540795071, ClinGen allele CA4822906.